The following is an entry in ClinVar:

GRCh38/hg38 15q13.3(chr15:31772780-32217731)x3

Genes: CHRNA7 (cholinergic receptor nicotinic alpha 7 subunit), OTUD7A (OTU deubiquitinase 7A; minus strand), LOC125078053 (Sharpr-MPRA regulatory region 11410; plus strand), LOC129390681 (MPRA-validated peak2289 silencer), LOC130056727 (ATAC-STARR-seq lymphoblastoid silent region 6268; plus strand). Cytogenetic location: 15q13.3.
Variant type: copy number gain.
Change: copy number 3 (three copies instead of two) of chr15:31,772,780-32,217,731 (445.0 kb, GRCh38 coordinates, 1-based), cytogenetic band 15q13.3.
Identifiers: ClinVar variation 145319 (VCV000145319.2).

ClinVar aggregate classification (germline): Benign/Likely benign (0 of 4 stars; one submission).

Submission:

ISCA site 4
Classification: Benign/Likely benign. Last evaluated: 2012-09-21. Review status: no assertion criteria provided. Collection method: clinical testing. Allele origin: unknown. Affected: yes. Observed: 12 variant alleles. Clinical features observed: Short stature (HP:0004322), Autism (HP:0000717), Developmental delay AND/OR other significant developmental or morphological phenotypes, Hemihypertrophy (HP:0001528), Abnormal facial shape (HP:0002260), Abnormality of head and neck (HP:0000152), Global developmental delay (HP:0001263), Abnormality of the nervous system (HP:0000707), Syringomyelia (HP:0003396).
Comment: Likely benign (2), Benign (10)

Copy number variation identified through the course of routine clinical cytogenomic testing in postnatal populations, with clinical assertions as classified by the original submitter.